The following is an entry in ClinVar:

NM_001009944.3(PKD1):c.6210C>T (p.Pro2070=)

Gene: PKD1 (polycystin 1, transient receptor potential channel interacting; minus strand). Cytogenetic location: 16p13.3.
Variant type: single nucleotide variant.
Coding change: c.6210C>T on transcript NM_001009944.3 (MANE Select); coding-DNA position 6210, C replaced by T.
Protein change: p.Pro2070=; no amino-acid change (proline 2070 retained).
Molecular consequence: synonymous variant.
Genome position (GRCh38, 1-based): chr16:2,108,957, G>A on the plus strand (C>T on the coding strand, the complement: PKD1 is on the minus strand). VCF-style: chr16-2108957-G-A. GRCh37 (hg19) VCF-style: chr16-2158958-G-A.
Other names: c.6210C>T, p.Pro2070= (NM_000296.4).
Identifiers: ClinVar variation 3896518 (VCV003896518.3).
Genomic context (GRCh38, chr16:2,108,957, plus strand): 5'-CACACGCCGGGGGCTGGGGCTGGTGGCGGCCTCAAACTGCGCCGAGCGGTTGGTGAAGCA[G>A]GGGCCGCTCTGCAGGGCCACATACTGGACGGCGTCCTGAACCTCCAGCACCAGCGTGCGG-3'
Protein context (NP_001009944.3, residues 2060-2080): AVQYVALQSG[Pro2070=]CFTNRSAQFE

ClinVar aggregate classification (germline): Likely benign. Review status: criteria provided, multiple submitters, no conflicts (2 of 4 stars). 2 submissions from 2 submitters: Likely benign (2). Last evaluated 2025-04-03.

gnomAD v4.1: 160 of 1,608,150 alleles (0.0099%); highest among the groups gnomAD compares: Non-Finnish European, 0.013%; no homozygotes.

Submissions (2):

Women's Health and Genetics/Laboratory Corporation of America, LabCorp
Classification: Likely benign. Last evaluated: 2025-04-03. Review status: criteria provided, single submitter. Criteria: LabCorp Variant Classification Summary - May 2015. Collection method: clinical testing. Allele origin: germline.
Comment: Variant summary: PKD1 c.6210C>T alters a non-conserved nucleotide resulting in a synonymous change. The variant allele was found at a frequency of 6.3e-05 in 238946 control chromosomes (gnomAD). This frequency is not significantly higher than estimated for a pathogenic variant in PKD1 causing PKD1-Biallelic Autosomal Recessive Polycystic Kidney Disease, allowing no conclusion about variant significance. To our knowledge, no occurrence of c.6210C>T in individuals affected with PKD1-Biallelic Autosomal Recessive Polycystic Kidney Disease and no experimental evidence demonstrating its impact on protein function have been reported. No submitters have cited clinical-significance assessments for this variant to ClinVar. Based on the evidence outlined above, the variant was classified as likely benign.

Blueprint Genetics
Classification: Likely benign. Last evaluated: 2023-11-22. Review status: criteria provided, single submitter. Criteria: ACMG Guidelines, 2015. Collection method: clinical testing. Allele origin: germline.